The following is an entry in ClinVar:

NM_032830.3(UTP4):c.478A>G (p.Ile160Val)

Gene: UTP4 (UTP4 small subunit processome component). Cytogenetic location: 16q22.1.
Variant type: single nucleotide variant.
Coding change: c.478A>G on transcript NM_032830.3 (MANE Select); coding-DNA position 478, A replaced by G.
Protein change: p.Ile160Val; replaces isoleucine 160 with valine.
Molecular consequence: missense variant.
Genome position (GRCh38, 1-based): chr16:69,139,866, A>G. VCF-style: chr16-69139866-A-G. GRCh37 (hg19) VCF-style: chr16-69173769-A-G.
Other names: c.229A>G, p.Ile77Val (NM_001318391.2); short protein forms I160V, I77V.
Identifiers: ClinVar variation 3033774 (VCV003033774.2), dbSNP rs1962914300, ClinGen allele CA396494767.
Genomic context (GRCh38, chr16:69,139,866, plus strand): 5'-TTGTTGTCCAACTCCCAAGGTCGCATCCTGAGTCTCAGCTGGCATCCCTCTGGTACCCAC[A>G]TTGCAGCTGGTTCCATAGACTACATTAGTGTGTTTGATGTCAAATCAGGTGATTGTTTTT-3'
Protein context (NP_116219.2, residues 150-170): SLSWHPSGTH[Ile160Val]AAGSIDYISV

ClinVar aggregate classification (germline): Uncertain significance (0 of 4 stars; one submission).

Conditions:
UTP4-related disorder. Also called: UTP4-related condition.

Allele frequency attached by ClinVar (database versions not stated): gnomAD exomes 0.00001; TOPMed 0.00002.
gnomAD v4.1: 11 of 1,613,920 alleles (0.00068%); highest among the groups gnomAD compares: Non-Finnish European, 0.00093%; no homozygotes.

Submission:

PreventionGenetics, part of Exact Sciences
Classification: Uncertain significance for UTP4-related condition. Last evaluated: 2023-12-07. Review status: no assertion criteria provided. Collection method: clinical testing. Allele origin: germline.
Comment: The UTP4 c.478A>G variant is predicted to result in the amino acid substitution p.Ile160Val. To our knowledge, this variant has not been reported in the literature or in a large population database, indicating this variant is rare. At this time, the clinical significance of this variant is uncertain due to the absence of conclusive functional and genetic evidence.